The following is an entry in ClinVar:

NM_138295.5(PKD1L1):c.8341A>G (p.Met2781Val)

Genes: PKD1L1 (polycystin 1 like 1, transient receptor potential channel interacting; minus strand), PKD1L1-AS1 (PKD1L1 antisense RNA 1; plus strand). Cytogenetic location: 7p12.3.
Variant type: single nucleotide variant.
Coding change: c.8341A>G on transcript NM_138295.5 (MANE Select); coding-DNA position 8341, A replaced by G.
Protein change: p.Met2781Val; replaces methionine 2781 with valine.
Molecular consequence: missense variant.
Genome position (GRCh38, 1-based): chr7:47,796,003, T>C on the plus strand (A>G on the coding strand, the complement: PKD1L1 is on the minus strand). VCF-style: chr7-47796003-T-C. GRCh37 (hg19) VCF-style: chr7-47835601-T-C.
Other names: short protein forms M2781V.
Identifiers: ClinVar variation 4988957 (VCV004988957.1).
Genomic context (GRCh38, chr7:47,796,003, plus strand): 5'-TGAGTGTGTGCTATCATGCTCAGTAATCCAAGATCTCACAGCTTACGTGATTCTCAACCA[T>C]CTCAGCCTCTTCCAACTTTGGTGTTTCCAGTCTCAGAAAGGTGAGGACCTTTTCCCACAT-3'
Protein context (NP_612152.1, residues 2771-2791): LETPKLEEAE[Met2781Val]VENHNYYLDE

ClinVar aggregate classification (germline): Uncertain significance (1 of 4 stars; one submission).

Conditions:
PKD1L1-related disorder. Also called: PKD1L1-related condition.

gnomAD v4.1: 7 of 1,613,442 alleles (0.00043%); highest among the groups gnomAD compares: Non-Finnish European, 0.00059%; no homozygotes.

Submission:

PreventionGenetics, part of Exact Sciences
Classification: Uncertain significance for PKD1L1-related condition. Last evaluated: 2024-12-06. Review status: criteria provided, single submitter. Criteria: ACMG Guidelines, 2015. Collection method: clinical testing. Allele origin: germline.
Comment: The PKD1L1 c.8341A>G variant is predicted to result in the amino acid substitution p.Met2781Val. To our knowledge, this variant has not been reported in the literature. This variant is reported in 0.0018% of alleles in individuals of European (Non-Finnish) descent in gnomAD. At this time, the clinical significance of this variant is uncertain due to the absence of conclusive functional and genetic evidence.